The following is an entry in ClinVar:

NM_000089.4(COL1A2):c.402_413del (p.Ala135_Pro138del)

Gene: COL1A2 (collagen type I alpha 2 chain; plus strand). Cytogenetic location: 7q21.3.
Variant type: Deletion.
Coding change: c.402_413del on transcript NM_000089.4 (MANE Select); coding-DNA positions 402 to 413, 12 bases deleted (AGCTGGCCCTCC).
Protein change: p.Ala135_Pro138del.
Molecular consequence: inframe deletion.
Genome position (GRCh38, 1-based): chr7:94,404,862-94,404,873, AGCTGGCCCTCC deleted; deleting any 12 consecutive bases within chr7:94,404,859-94,404,873 gives the same sequence; the c. name uses the placement nearest the transcript's 3' end. VCF-style (leftmost placement, unchanged base first): chr7-94404858-GTCCAGCTGGCCC-G. GRCh37 (hg19) VCF-style: chr7-94034170-GTCCAGCTGGCCC-G.
Identifiers: ClinVar variation 2945405 (VCV002945405.3), dbSNP rs2484700107, ClinGen allele CA2740097418.

ClinVar aggregate classification (germline): Pathogenic (1 of 4 stars; one submission).

Conditions:
Osteogenesis imperfecta type I (OI1). Also called: Lobstein disease; OI, TYPE I; OSTEOGENESIS IMPERFECTA TARDA; OSTEOGENESIS IMPERFECTA WITH BLUE SCLERAE; Osteogenesis imperfecta type 1; Lobstein's Disease. Identifiers: Orphanet 216796, Orphanet 666, MedGen C0023931, MONDO:0008146, OMIM 166200. Disease mechanism: loss of function.
Ehlers-Danlos syndrome, classic type, 1 (EDSCL1). Also called: EDS I; EHLERS-DANLOS SYNDROME, GRAVIS TYPE; EHLERS-DANLOS SYNDROME, SEVERE CLASSIC TYPE; Ehlers-Danlos syndrome, type 1; Ehlers-Danlos Syndrome, Classic Type, COL5A1-Related. Identifiers: MedGen C0268335, MONDO:0019567, OMIM 130000.

Submission:

Labcorp Genetics (formerly Invitae), Labcorp
Classification: Pathogenic for Osteogenesis imperfecta type I; Ehlers-Danlos syndrome, classic type, 1. Last evaluated: 2023-03-23. Review status: criteria provided, single submitter. Criteria: Invitae Variant Classification Sherloc (09022015). Collection method: clinical testing. Allele origin: germline.
Comment: For these reasons, this variant has been classified as Pathogenic. This variant, c.402_413del, results in the deletion of 4 amino acid(s) of the COL1A2 protein (p.Ala135_Pro138del), but otherwise preserves the integrity of the reading frame. This variant is not present in population databases (gnomAD no frequency). This variant has been observed in individual(s) with osteogenesis imperfecta (Invitae). This variant disrupts the triple helix domain of COL1A2. Glycine residues within the Gly-Xaa-Yaa repeats of the triple helix domain are required for the structure and stability of fibrillar collagens (PMID: 7695699, 8218237, 19344236). In COL1A2, variants affecting these glycine residues are significantly enriched in individuals with disease (PMID: 9016532, 17078022) compared to the general population (ExAC).

Literature cited by the submitters: PubMed 7695699; PubMed 8218237; PubMed 19344236; PubMed 9016532; PubMed 17078022.